The following is an entry in ClinVar:

NM_001164688.2(RD3):c.*1039T>A

Gene: RD3 (RD3 regulator of GUCY2D; minus strand). Cytogenetic location: 1q32.3.
Variant type: single nucleotide variant.
Coding change: c.*1039T>A on transcript NM_001164688.2 (MANE Select); 1039 bases downstream of the stop codon, T replaced by A.
Molecular consequence: 3 prime UTR variant.
Genome position (GRCh38, 1-based): chr1:211,477,997, A>T on the plus strand (T>A on the coding strand, the complement: RD3 is on the minus strand). VCF-style: chr1-211477997-A-T. GRCh37 (hg19) VCF-style: chr1-211651339-A-T.
Other names: c.*1039T>A (NM_183059.3).
Identifiers: ClinVar variation 874675 (VCV000874675.4), dbSNP rs58551885, ClinGen allele CA37186219.

ClinVar aggregate classification (germline): Likely benign (1 of 4 stars; one submission).

Conditions:
Leber congenital amaurosis 12 (LCA12). Identifiers: Orphanet 65, MedGen C1857743, MONDO:0012525, OMIM 610612.

Allele frequency attached by ClinVar (database versions not stated): gnomAD exomes 0.00128; gnomAD 0.00841 and 0.00911; TOPMed 0.00981; 1000 Genomes Project 30x 0.00984; 1000 Genomes Project 0.00998.

Submission:

Illumina Laboratory Services, Illumina
Classification: Likely benign for Leber congenital amaurosis 12. Last evaluated: 2018-01-13. Review status: criteria provided, single submitter. Criteria: ICSL Variant Classification Criteria 13 December 2019. Collection method: clinical testing. Allele origin: germline.
Comment: This variant was observed in the ICSL laboratory as part of a predisposition screen in an ostensibly healthy population. It had not been previously curated by ICSL or reported in the Human Gene Mutation Database (HGMD: prior to June 1st, 2018), and was therefore a candidate for classification through an automated scoring system. Utilizing variant allele frequency, disease prevalence and penetrance estimates, and inheritance mode, an automated score was calculated to assess if this variant is too frequent to cause the disease. Based on the score and internal cut-off values, a variant classified as likely benign is not then subjected to further curation. The score for this variant resulted in a classification of likely benign for this disease.